The following is an entry in ClinVar:

NM_001182.5(ALDH7A1):c.312+1G>T

Gene: ALDH7A1 (aldehyde dehydrogenase 7 family member A1; minus strand). Cytogenetic location: 5q23.2.
Variant type: single nucleotide variant.
Coding change: c.312+1G>T on transcript NM_001182.5 (MANE Select); the canonical splice donor site of the intron after coding-DNA position 312, G replaced by T.
Molecular consequence: splice donor variant.
Genome position (GRCh38, 1-based): chr5:126,592,663, C>A on the plus strand (G>T on the coding strand, the complement: ALDH7A1 is on the minus strand). VCF-style: chr5-126592663-C-A. GRCh37 (hg19) VCF-style: chr5-125928355-C-A.
Other names: c.312+1G>T (NM_001182.4, NM_001202404.2); c.228+1G>T (NM_001201377.2).
Identifiers: ClinVar variation 2010345 (VCV002010345.6), dbSNP rs199497486, ClinGen allele CA360733029.
Genomic context (GRCh38, chr5:126,592,663, plus strand): 5'-TCATTGGTTACAATAGGCAAAGTGATCTTTTCTGAATTCTAGAAACAAAGGCCATACTTA[C>A]ATCTGCCCAGATTTTCCATGCTTCTCTTGCTTTCTTTACAGTTTCTTCATAGTCTGCCAC-3'

ClinVar aggregate classification (germline): Pathogenic. Review status: criteria provided, multiple submitters, no conflicts (2 of 4 stars). 2 submissions from 2 submitters: Pathogenic (2). Last evaluated 2023-11-19.

Conditions:
Pyridoxine-dependent epilepsy (EPEO4). Also called: PYRIDOXINE DEPENDENCY WITH SEIZURES; Pyridoxine-Dependent Seizures; Pyridoxine-Dependent Epilepsy - ALDH7A1; EPILEPSY, EARLY-ONSET, 4, VITAMIN B6-DEPENDENT. Identifiers: Orphanet 3006, MedGen C1849508, MONDO:0009945, OMIM 266100. Disease mechanism: loss of function.

Submissions (2):

Revvity Omics, Revvity
Classification: Pathogenic for Pyridoxine-dependent epilepsy. Last evaluated: 2023-11-19. Review status: criteria provided, single submitter. Criteria: ACMG Guidelines, 2015. Collection method: clinical testing. Allele origin: germline.

Labcorp Genetics (formerly Invitae), Labcorp
Classification: Pathogenic for Pyridoxine-dependent epilepsy. Last evaluated: 2022-06-24. Review status: criteria provided, single submitter. Criteria: Invitae Variant Classification Sherloc (09022015). Collection method: clinical testing. Allele origin: germline.
Comment: For these reasons, this variant has been classified as Pathogenic. Algorithms developed to predict the effect of sequence changes on RNA splicing suggest that this variant may disrupt the consensus splice site. Disruption of this splice site has been observed in individual(s) with pyridoxine-dependent epilepsy (PMID: 21733724). It has also been observed to segregate with disease in related individuals. This variant is not present in population databases (gnomAD no frequency). This sequence change affects a donor splice site in intron 3 of the ALDH7A1 gene. It is expected to disrupt RNA splicing. Variants that disrupt the donor or acceptor splice site typically lead to a loss of protein function (PMID: 16199547), and loss-of-function variants in ALDH7A1 are known to be pathogenic (PMID: 16491085, 20554659).

Literature cited by the submitters: PubMed 21733724 (cited by Labcorp Genetics (formerly Invitae), Labcorp); PubMed 16199547 (cited by Labcorp Genetics (formerly Invitae), Labcorp); PubMed 16491085 (cited by Labcorp Genetics (formerly Invitae), Labcorp); PubMed 20554659 (cited by Labcorp Genetics (formerly Invitae), Labcorp).